The following is an entry in ClinVar:

ClinVar aggregate classification (germline): Pathogenic (1 of 4 stars; one submission).

Submission:

GeneDx
Classification: Pathogenic. Last evaluated: 2025-05-08. Review status: criteria provided, single submitter. Criteria: GeneDx Variant Classification Process June 2021. Collection method: clinical testing. Allele origin: germline. Affected: yes.
Comment: Canonical splice site variant predicted to result in a null allele in a gene for which loss of function is a known mechanism of disease; Identified in an individual from a large cohort of patients with neurodevelopmental disorders; however, segregation and proband specific clinical information was not provided (PMID: 33004838); Not observed at significant frequency in large population cohorts (gnomAD); This variant is associated with the following publications: (PMID: 33004838)

NM_007118.4(TRIO):c.347+1G>C

Gene: TRIO (trio Rho guanine nucleotide exchange factor; plus strand). Cytogenetic location: 5p15.2.
Variant type: single nucleotide variant.
Coding change: c.347+1G>C on transcript NM_007118.4 (MANE Select); the canonical splice donor site of the intron after coding-DNA position 347, G replaced by C.
Molecular consequence: splice donor variant.
Genome position (GRCh38, 1-based): chr5:14,280,437, G>C. VCF-style: chr5-14280437-G-C. GRCh37 (hg19) VCF-style: chr5-14280546-G-C.
Identifiers: ClinVar variation 4529691 (VCV004529691.1).